The following is an entry in ClinVar:

NM_000548.5(TSC2):c.849-10A>G

Gene: TSC2 (TSC complex subunit 2; plus strand). Cytogenetic location: 16p13.3.
Variant type: single nucleotide variant.
Coding change: c.849-10A>G on transcript NM_000548.5 (MANE Select); 10 bases into the intron before coding-DNA position 849, A replaced by G.
Molecular consequence: intron variant.
Genome position (GRCh38, 1-based): chr16:2,058,737, A>G. VCF-style: chr16-2058737-A-G. GRCh37 (hg19) VCF-style: chr16-2108738-A-G.
Other names: c.849-10A>G (NM_001114382.3, NM_021055.3, NM_001370405.1 and 3 more transcripts); c.738-10A>G (NM_001318827.2); c.249-10A>G (NM_001318831.2); c.702-10A>G (NM_001318829.2); c.882-10A>G (NM_001318832.2).
Identifiers: ClinVar variation 965826 (VCV000965826.8), dbSNP rs1596288175, ClinGen allele CA1139664334.
Genomic context (GRCh38, chr16:2,058,737, plus strand): 5'-CTCACACATCCATGGCGGACCCTGGGACAGGGCCCTGCTCACATTCCGTCTCTCTGGGGA[A>G]CACTTTTAGAGCCTACATGGAGGACGCGCCCCTGCTGAGAGGAGCCGTGTTTTTTGTGGG-3'

ClinVar aggregate classification (germline): Uncertain significance (1 of 4 stars; one submission).

Conditions:
Tuberous sclerosis 2 (TSC2). Identifiers: Orphanet 805, MedGen C1860707, MONDO:0013199, OMIM 613254.

gnomAD v4.1: 1 of 1,575,338 alleles (0.000063%); highest among the groups gnomAD compares: Non-Finnish European, 0.000086%; no homozygotes.

Submission:

Labcorp Genetics (formerly Invitae), Labcorp
Classification: Uncertain significance for Tuberous sclerosis 2. Last evaluated: 2025-07-30. Review status: criteria provided, single submitter. Criteria: Invitae Variant Classification Sherloc (09022015). Collection method: clinical testing. Allele origin: germline.
Comment: This sequence change falls in intron 9 of the TSC2 gene. It does not directly change the encoded amino acid sequence of the TSC2 protein. This variant is not present in population databases (gnomAD no frequency). This variant has not been reported in the literature in individuals affected with TSC2-related conditions. ClinVar contains an entry for this variant (Variation ID: 965826). Studies have shown that this variant is associated with inconclusive levels of altered splicing (internal data). In summary, the available evidence is currently insufficient to determine the role of this variant in disease. Therefore, it has been classified as a Variant of Uncertain Significance.